The following is an entry in ClinVar:

NM_133368.3(RSPRY1):c.1282G>T (p.Val428Leu)

Gene: RSPRY1 (ring finger and SPRY domain containing 1; plus strand). Cytogenetic location: 16q13.
Variant type: single nucleotide variant.
Coding change: c.1282G>T on transcript NM_133368.3 (MANE Select); coding-DNA position 1282, G replaced by T.
Protein change: p.Val428Leu; replaces valine 428 with leucine.
Molecular consequence: missense variant.
Genome position (GRCh38, 1-based): chr16:57,230,719, G>T. VCF-style: chr16-57230719-G-T. GRCh37 (hg19) VCF-style: chr16-57264631-G-T.
Other names: c.1282G>T, p.Val428Leu (NM_001305163.2, NM_001305164.2); short protein forms V428L.
Identifiers: ClinVar variation 1946416 (VCV001946416.3), dbSNP rs199611065, ClinGen allele CA8074699.

ClinVar aggregate classification (germline): Uncertain significance (1 of 4 stars; one submission).

Allele frequency attached by ClinVar (database versions not stated): ExAC 0.00016; gnomAD 0.00017.
gnomAD v4.1: 137 of 1,576,156 alleles (0.0087%); highest among the groups gnomAD compares: Non-Finnish European, 0.00087%; no homozygotes.

Submission:

Labcorp Genetics (formerly Invitae), Labcorp
Classification: Uncertain significance. Last evaluated: 2022-11-01. Review status: criteria provided, single submitter. Criteria: Invitae Variant Classification Sherloc (09022015). Collection method: clinical testing. Allele origin: germline.
Comment: In summary, the available evidence is currently insufficient to determine the role of this variant in disease. Therefore, it has been classified as a Variant of Uncertain Significance. Advanced modeling of protein sequence and biophysical properties (such as structural, functional, and spatial information, amino acid conservation, physicochemical variation, residue mobility, and thermodynamic stability) performed at Invitae indicates that this missense variant is not expected to disrupt RSPRY1 protein function. This variant has not been reported in the literature in individuals affected with RSPRY1-related conditions. This variant is present in population databases (rs199611065, gnomAD 0.2%). This sequence change replaces valine, which is neutral and non-polar, with leucine, which is neutral and non-polar, at codon 428 of the RSPRY1 protein (p.Val428Leu).